The following is an entry in ClinVar:

NM_004370.6(COL12A1):c.5051T>C (p.Leu1684Pro)

Gene: COL12A1 (collagen type XII alpha 1 chain; minus strand). Cytogenetic location: 6q13.
Variant type: single nucleotide variant.
Coding change: c.5051T>C on transcript NM_004370.6 (MANE Select); coding-DNA position 5051, T replaced by C.
Protein change: p.Leu1684Pro; replaces leucine 1684 with proline.
Molecular consequence: missense variant.
Genome position (GRCh38, 1-based): chr6:75,138,868, A>G on the plus strand (T>C on the coding strand, the complement: COL12A1 is on the minus strand). VCF-style: chr6-75138868-A-G. GRCh37 (hg19) VCF-style: chr6-75848584-A-G.
Other names: c.5051T>C, p.Leu1684Pro (NM_001424113.1, NM_001424114.1); c.4778T>C, p.Leu1593Pro (NM_001424115.1); c.1559T>C, p.Leu520Pro (NM_001424116.1, NM_080645.3); short protein forms L1593P, L1684P, L520P.
Identifiers: ClinVar variation 2656704 (VCV002656704.24), dbSNP rs2533320355, ClinGen allele CA364739645.
Genomic context (GRCh38, chr6:75,138,868, plus strand): 5'-AGAGAGTTAACTACCTCCATCTTATCTGAGCTTCCAAAAGGTGCCCAAGTTATTCTGTAG[A>G]GAGACACATCTGAAGCTCCATGATCCCAAGTCCCTCTGAAACCCTCTGATGTTACTTCAG-3'
Protein context (NP_004361.3, residues 1674-1694): TWDHGASDVS[Leu1684Pro]YRITWAPFGS

ClinVar aggregate classification (germline): Uncertain significance (1 of 4 stars; one submission).

Submission:

CeGaT Center for Human Genetics Tuebingen
Classification: Uncertain significance. Last evaluated: 2023-04-01. Review status: criteria provided, single submitter. Criteria: CeGaT Center For Human Genetics Tuebingen Variant Classification Criteria Version 2. Collection method: clinical testing. Allele origin: germline. Affected: yes. Observed: 1 variant allele.
Comment: COL12A1: PM2